The following is an entry in ClinVar:

ClinVar aggregate classification (germline): Conflicting classifications of pathogenicity. Review status: criteria provided, conflicting classifications (1 of 4 stars). 5 submissions from 5 submitters: Uncertain significance (2); Likely benign (3). Last evaluated 2024-04-25.

Conditions:
Autosomal recessive limb-girdle muscular dystrophy type 2L (LGMDR12). Also called: Limb-girdle muscular dystrophy, type 2L; Limb-Girdle Muscular Dystrophy R12 Anoctamin-5-Related (LGMD-R12); MUSCULAR DYSTROPHY, LIMB-GIRDLE, AUTOSOMAL RECESSIVE 12. Identifiers: Orphanet 206549, MedGen C1969785, MONDO:0012652, OMIM 611307.
Gnathodiaphyseal dysplasia (GDD). Also called: GNATHODIAPHYSEAL SCLEROSIS; OSTEOGENESIS IMPERFECTA WITH UNUSUAL SKELETAL LESIONS. Identifiers: Orphanet 53697, MedGen C1833736, MONDO:0008151, OMIM 166260.
ANO5-Related Muscle Diseases. Identifiers: MedGen CN180644.

Allele frequency attached by ClinVar (database versions not stated): TOPMed 0.00002; 1000 Genomes Project 30x 0.00016; 1000 Genomes Project 0.00020.
gnomAD v4.1: 63 of 1,612,732 alleles (0.0039%); highest among the groups gnomAD compares: South Asian, 0.026%; 1 homozygote.

Submissions (5):

Labcorp Genetics (formerly Invitae), Labcorp
Classification: Likely benign for Autosomal recessive limb-girdle muscular dystrophy type 2L; Gnathodiaphyseal dysplasia. Last evaluated: 2024-04-25. Review status: criteria provided, single submitter. Criteria: Invitae Variant Classification Sherloc (09022015). Collection method: clinical testing. Allele origin: germline.

CeGaT Center for Human Genetics Tuebingen
Classification: Likely benign. Last evaluated: 2022-07-01. Review status: criteria provided, single submitter. Criteria: CeGaT Center For Human Genetics Tuebingen Variant Classification Criteria Version 2. Collection method: clinical testing. Allele origin: germline. Affected: yes. Observed: 1 variant allele.
Comment: ANO5: BP4, BP7

Illumina Laboratory Services, Illumina
Classification: Uncertain significance for ANO5-Related Muscle Diseases. Last evaluated: 2018-01-13. Review status: criteria provided, single submitter. Criteria: ICSL Variant Classification Criteria 13 December 2019. Collection method: clinical testing. Allele origin: germline.

Eurofins Ntd Llc (ga)
Classification: Uncertain significance. Last evaluated: 2015-12-30. Review status: criteria provided, single submitter. Criteria: EGL Classification Definitions 2015. Collection method: clinical testing. Allele origin: germline. Observed: 2 variant alleles, 2 heterozygotes.

PreventionGenetics, part of Exact Sciences
Classification: Likely benign. Review status: criteria provided, single submitter. Criteria: ACMG Guidelines, 2015. Collection method: clinical testing. Allele origin: germline.

NM_213599.3(ANO5):c.2688C>G (p.Ala896=)

Gene: ANO5 (anoctamin 5; plus strand). Cytogenetic location: 11p14.3.
Variant type: single nucleotide variant.
Coding change: c.2688C>G on transcript NM_213599.3 (MANE Select); coding-DNA position 2688, C replaced by G.
Protein change: p.Ala896=; no amino-acid change (alanine 896 retained).
Molecular consequence: synonymous variant.
Genome position (GRCh38, 1-based): chr11:22,279,711, C>G. VCF-style: chr11-22279711-C-G. GRCh37 (hg19) VCF-style: chr11-22301257-C-G.
Other names: c.2685C>G, p.Ala895= (NM_001142649.2).
Identifiers: ClinVar variation 263315 (VCV000263315.50), dbSNP rs377549896, ClinGen allele CA5923639.